The following is an entry in ClinVar:

ClinVar aggregate classification (germline): Uncertain significance (1 of 4 stars; one submission).

Submission:

Ambry Genetics
Classification: Uncertain significance. Last evaluated: 2024-06-12. Review status: criteria provided, single submitter. Criteria: Ambry Variant Classification Scheme 2023. Collection method: clinical testing. Allele origin: germline.
Comment: The p.S391G variant (also known as c.1171A>G), located in coding exon 7 of the MYOM1 gene, results from an A to G substitution at nucleotide position 1171. The serine at codon 391 is replaced by glycine, an amino acid with similar properties. This amino acid position is conserved. In addition, this alteration is predicted to be tolerated by in silico analysis. Based on the available evidence, the clinical significance of this variant remains unclear.

NM_003803.4(MYOM1):c.1171A>G (p.Ser391Gly)

Gene: MYOM1 (myomesin 1; minus strand). Cytogenetic location: 18p11.31.
Variant type: single nucleotide variant.
Coding change: c.1171A>G on transcript NM_003803.4 (MANE Select); coding-DNA position 1171, A replaced by G.
Protein change: p.Ser391Gly; replaces serine 391 with glycine.
Molecular consequence: missense variant.
Genome position (GRCh38, 1-based): chr18:3,173,941, T>C on the plus strand (A>G on the coding strand, the complement: MYOM1 is on the minus strand). VCF-style: chr18-3173941-T-C. GRCh37 (hg19) VCF-style: chr18-3173939-T-C.
Other names: c.1171A>G, p.Ser391Gly (NM_019856.2); short protein forms S391G.
Identifiers: ClinVar variation 3298045 (VCV003298045.1).